The following is an entry in ClinVar:

ClinVar aggregate classification (germline): Benign/Likely benign. Review status: criteria provided, multiple submitters, no conflicts (2 of 4 stars). 4 submissions from 4 submitters: Benign (1); Likely benign (3). Last evaluated 2024-12-16.

Conditions:
Hereditary cancer-predisposing syndrome. Also called: Tumor predisposition; Hereditary neoplastic syndrome; Neoplastic Syndromes, Hereditary; Hereditary Cancer Syndrome. Identifiers: Orphanet 140162, MedGen C0027672, MeSH D009386, MONDO:0015356.
Familial cancer of breast. Also called: BREAST CANCER, FAMILIAL; hereditary breast carcinoma; Hereditary breast cancer. Identifiers: Orphanet 227535, MedGen C0346153, MONDO:0016419, OMIM 114480. Disease mechanism: loss of function.
Ataxia-telangiectasia syndrome (AT). Also called: Ataxia-telangiectasia, complementation group D; Cerebello-oculocutaneous telangiectasia; Immunodeficiency with ataxia telangiectasia; LOUIS-BAR SYNDROME; Ataxia-telangiectasia; AT, COMPLEMENTATION GROUP C. Identifiers: Orphanet 100, MedGen C0004135, MONDO:0008840, OMIM 208900.

Allele frequency attached by ClinVar (database versions not stated): TOPMed below 0.00001.
gnomAD v4.1: 1 of 1,613,934 alleles (0.000062%); highest among the groups gnomAD compares: East Asian, 0.0022%; no homozygotes.

Submissions (4):

Labcorp Genetics (formerly Invitae), Labcorp
Classification: Likely benign for Ataxia-telangiectasia syndrome. Last evaluated: 2024-12-16. Review status: criteria provided, single submitter. Criteria: Invitae Variant Classification Sherloc (09022015). Collection method: clinical testing. Allele origin: germline.

Ambry Genetics
Classification: Likely benign for Hereditary cancer-predisposing syndrome. Last evaluated: 2024-09-01. Review status: criteria provided, single submitter. Criteria: Ambry Variant Classification Scheme 2023. Collection method: clinical testing. Allele origin: germline.

Myriad Genetics, Inc.
Classification: Benign for Familial cancer of breast. Last evaluated: 2024-04-22. Review status: criteria provided, single submitter. Criteria: Myriad Autosomal Dominant, Autosomal Recessive and X-Linked Classification Criteria (2023). Collection method: clinical testing. Allele origin: unknown.
Comment: This variant is considered benign. This variant is a silent/synonymous amino acid change and it is not expected to impact splicing.

Color Diagnostics, LLC DBA Color Health
Classification: Likely benign for Hereditary cancer-predisposing syndrome. Last evaluated: 2019-09-26. Review status: criteria provided, single submitter. Criteria: ACMG Guidelines, 2015. Collection method: clinical testing. Allele origin: germline.

NM_000051.4(ATM):c.711T>C (p.Thr237=)

Gene: ATM (ATM serine/threonine kinase; plus strand). Cytogenetic location: 11q22.3.
Variant type: single nucleotide variant.
Coding change: c.711T>C on transcript NM_000051.4 (MANE Select); coding-DNA position 711, T replaced by C.
Protein change: p.Thr237=; no amino-acid change (threonine 237 retained).
Molecular consequence: synonymous variant.
Genome position (GRCh38, 1-based): chr11:108,244,836, T>C. VCF-style: chr11-108244836-T-C. GRCh37 (hg19) VCF-style: chr11-108115563-T-C.
Other names: c.711T>C, p.Thr237= (NM_001351834.2).
Identifiers: ClinVar variation 927222 (VCV000927222.13), dbSNP rs1294159555, ClinGen allele CA476744651.